The following is an entry in ClinVar:

ClinVar aggregate classification (germline): Uncertain significance (0 of 4 stars; one submission).

Submission:

Martin Pollak Laboratory,  Beth Israel Deaconess Medical Center
Classification: Uncertain significance. Review status: no assertion criteria provided. Collection method: not provided. Allele origin: unknown.
Comment: Lower UCa2+ group
ClinVar note: Converted during submission from unknown to Uncertain significance.

NM_004752.4(GCM2):c.833C>T (p.Ala278Val)

Gene: GCM2 (glial cells missing transcription factor 2; minus strand). Cytogenetic location: 6p24.2.
Variant type: single nucleotide variant.
Coding change: c.833C>T on transcript NM_004752.4 (MANE Select); coding-DNA position 833, C replaced by T.
Protein change: p.Ala278Val; replaces alanine 278 with valine.
Molecular consequence: missense variant.
Genome position (GRCh38, 1-based): chr6:10,874,683, G>A on the plus strand (C>T on the coding strand, the complement: GCM2 is on the minus strand). VCF-style: chr6-10874683-G-A. GRCh37 (hg19) VCF-style: chr6-10874916-G-A.
Other names: short protein forms A278V.
Identifiers: ClinVar variation 64542 (VCV000064542.2), dbSNP rs387907426, ClinGen allele CA216369.